The following is an entry in ClinVar:

ClinVar aggregate classification (germline): Benign/Likely benign. Review status: criteria provided, multiple submitters, no conflicts (2 of 4 stars). 6 submissions from 5 submitters: Benign (4); Likely benign (2). Last evaluated 2026-01-13.

Conditions:
Developmental delay, impaired growth, dysmorphic facies, and axonal neuropathy. Identifiers: MedGen C5436781, MONDO:0030835, OMIM 619090.
MORC2-related disorder. Also called: MORC2-related condition.
Charcot-Marie-Tooth disease axonal type 2Z. Also called: CHARCOT-MARIE-TOOTH NEUROPATHY, TYPE 2Z; CHARCOT-MARIE-TOOTH DISEASE, AXONAL, AUTOSOMAL DOMINANT, TYPE 2Z. Identifiers: Orphanet 466768, MedGen C5569025, MONDO:0014736, OMIM 616688.

Allele frequency attached by ClinVar (database versions not stated): gnomAD 0.00022; TOPMed 0.00025; 1000 Genomes Project 0.00100; 1000 Genomes Project 30x 0.00109.

Submissions (6):

Labcorp Genetics (formerly Invitae), Labcorp
Classification: Benign for Charcot-Marie-Tooth disease axonal type 2Z. Last evaluated: 2026-01-13. Review status: criteria provided, single submitter. Criteria: Invitae Variant Classification Sherloc (09022015). Collection method: clinical testing. Allele origin: germline.

PreventionGenetics, part of Exact Sciences
Classification: Likely benign for MORC2-related condition. Last evaluated: 2025-10-15. Review status: criteria provided, single submitter. Criteria: ACMG Guidelines, 2015. Collection method: clinical testing. Allele origin: germline.
Comment: This variant is classified as likely benign based on ACMG/AMP sequence variant interpretation guidelines (Richards et al. 2015 PMID: 25741868, with internal and published modifications).

Blueprint Genetics
Classification: Likely benign. Last evaluated: 2024-07-10. Review status: criteria provided, single submitter. Criteria: ACMG Guidelines, 2015. Collection method: clinical testing. Allele origin: germline.

Genome-Nilou Lab
Classification: Benign for Developmental delay, impaired growth, dysmorphic facies, and axonal neuropathy. Last evaluated: 2022-03-15. Review status: criteria provided, single submitter. Criteria: ACMG Guidelines, 2015. Collection method: clinical testing. Allele origin: germline. Affected: no.

Genome-Nilou Lab
Classification: Benign for Charcot-Marie-Tooth disease axonal type 2Z. Last evaluated: 2022-03-15. Review status: criteria provided, single submitter. Criteria: ACMG Guidelines, 2015. Collection method: clinical testing. Allele origin: germline. Affected: no.

GeneDx
Classification: Benign. Last evaluated: 2021-06-21. Review status: criteria provided, single submitter. Criteria: GeneDx Variant Classification Process June 2021. Collection method: clinical testing. Allele origin: germline. Affected: yes.

NM_001303256.3(MORC2):c.3030+9G>C

Gene: MORC2 (MORC family CW-type zinc finger 2; minus strand). Cytogenetic location: 22q12.2.
Variant type: single nucleotide variant.
Coding change: c.3030+9G>C on transcript NM_001303256.3 (MANE Select); 9 bases into the intron after coding-DNA position 3030, G replaced by C.
Molecular consequence: intron variant.
Genome position (GRCh38, 1-based): chr22:30,928,010, C>G on the plus strand (G>C on the coding strand, the complement: MORC2 is on the minus strand). VCF-style: chr22-30928010-C-G. GRCh37 (hg19) VCF-style: chr22-31323997-C-G.
Other names: c.3021+18G>C (NM_001303257.2); c.2844+9G>C (NM_014941.3).
Identifiers: ClinVar variation 772516 (VCV000772516.13), dbSNP rs200086094, ClinGen allele CA10186489.